The following is an entry in ClinVar:

NM_021922.3(FANCE):c.358A>G (p.Ile120Val)

Gene: FANCE (FA complementation group E; plus strand). Cytogenetic location: 6p21.31.
Variant type: single nucleotide variant.
Coding change: c.358A>G on transcript NM_021922.3 (MANE Select); coding-DNA position 358, A replaced by G.
Protein change: p.Ile120Val; replaces isoleucine 120 with valine.
Molecular consequence: missense variant.
Genome position (GRCh38, 1-based): chr6:35,455,856, A>G. VCF-style: chr6-35455856-A-G. GRCh37 (hg19) VCF-style: chr6-35423633-A-G.
Other names: short protein forms I120V.
Identifiers: ClinVar variation 581847 (VCV000581847.11), dbSNP rs201961713, ClinGen allele CA3771395.

ClinVar aggregate classification (germline): Benign/Likely benign. Review status: criteria provided, multiple submitters, no conflicts (2 of 4 stars). 3 submissions from 3 submitters: Benign (1); Likely benign (2). Last evaluated 2026-05-26.

Conditions:
Fanconi anemia complementation group E (FANCE). Also called: FANCE-Related Fanconi Anemia. Identifiers: Orphanet 84, MedGen C3160739, MONDO:0010953, OMIM 600901.
Ovarian cancer. Also called: OVARIAN CANCER, SOMATIC. Identifiers: Orphanet 213500, MedGen C1140680, MONDO:0008170, OMIM 167000.
FANCE-related disorder. Also called: FANCE-related condition.

Allele frequency attached by ClinVar (database versions not stated): 1000 Genomes Project 0.00040; 1000 Genomes Project 30x 0.00047; gnomAD below 0.00001 and 0.00006; TOPMed 0.00001; gnomAD exomes 0.00010 and 0.00022; ExAC 0.00024.

Submissions (3):

PreventionGenetics, part of Exact Sciences
Classification: Likely benign for FANCE-related condition. Last evaluated: 2026-05-26. Review status: criteria provided, single submitter. Criteria: ACMG Guidelines, 2015. Collection method: clinical testing. Allele origin: germline.
Comment: This variant is classified as likely benign based on ACMG/AMP sequence variant interpretation guidelines (Richards et al. 2015 PMID: 25741868, with internal and published modifications).

Labcorp Genetics (formerly Invitae), Labcorp
Classification: Likely benign for Fanconi anemia complementation group E. Last evaluated: 2026-01-11. Review status: criteria provided, single submitter. Criteria: Invitae Variant Classification Sherloc (09022015). Collection method: clinical testing. Allele origin: germline.

Laboratory of Molecular Epidemiology of Birth Defects, West China Second University Hospital, Sichuan University
Classification: Benign for Ovarian cancer. Last evaluated: 2022-01-01. Review status: criteria provided, single submitter. Criteria: ACMG Guidelines, 2015. Collection method: clinical testing. Allele origin: germline. Affected: yes.